The following is an entry in ClinVar:

NM_024577.4(SH3TC2):c.2506G>A (p.Gly836Arg)

Gene: SH3TC2 (SH3 domain and tetratricopeptide repeats 2; minus strand). Cytogenetic location: 5q32.
Variant type: single nucleotide variant.
Coding change: c.2506G>A on transcript NM_024577.4 (MANE Select); coding-DNA position 2506, G replaced by A.
Protein change: p.Gly836Arg; replaces glycine 836 with arginine.
Molecular consequence: missense variant.
Genome position (GRCh38, 1-based): chr5:149,027,226, C>T on the plus strand (G>A on the coding strand, the complement: SH3TC2 is on the minus strand). VCF-style: chr5-149027226-C-T. GRCh37 (hg19) VCF-style: chr5-148406789-C-T.
Other names: short protein forms G836R.
Identifiers: ClinVar variation 245765 (VCV000245765.5), dbSNP rs768389060, ClinGen allele CA3498982.
Genomic context (GRCh38, chr5:149,027,226, plus strand): 5'-CTGCCCTGTTCACCCGGCCTTCACCTTGGAGTGCAAGTCCCAGGAGGTTATAGATGACTC[C>T]CCTTTGAGTGAGACTCTCTGTCTCCTTCAGGGAGCATAGCAGTGGCTCAAGCACATCCAA-3'
Protein context (NP_078853.2, residues 826-846): LKETESLTQR[Gly836Arg]VIYNLLGLAL

ClinVar aggregate classification (germline): Uncertain significance. Review status: criteria provided, multiple submitters, no conflicts (2 of 4 stars). 2 submissions from 2 submitters: Uncertain significance (2). Last evaluated 2022-07-05.

Conditions:
Charcot-Marie-Tooth disease type 4. Also called: Charcot-Marie-Tooth disease, type IV; Charcot-Marie-Tooth, Type 4. Identifiers: Orphanet 64749, MedGen C4082197, MONDO:0018995.

Allele frequency attached by ClinVar (database versions not stated): gnomAD 0.00001; TOPMed 0.00001.
gnomAD v4.1: 13 of 1,614,100 alleles (0.00081%); highest among the groups gnomAD compares: Non-Finnish European, 0.00085%; no homozygotes.

Submissions (2):

Labcorp Genetics (formerly Invitae), Labcorp
Classification: Uncertain significance for Charcot-Marie-Tooth disease type 4. Last evaluated: 2022-07-05. Review status: criteria provided, single submitter. Criteria: Invitae Variant Classification Sherloc (09022015). Collection method: clinical testing. Allele origin: germline.
Comment: This sequence change replaces glycine, which is neutral and non-polar, with arginine, which is basic and polar, at codon 836 of the SH3TC2 protein (p.Gly836Arg). This variant is present in population databases (rs768389060, gnomAD 0.004%). This missense change has been observed in individual(s) with clinical features of SH3TC2-related conditions (Invitae). In at least one individual the data is consistent with being in trans (on the opposite chromosome) from a pathogenic variant. ClinVar contains an entry for this variant (Variation ID: 245765). Advanced modeling of protein sequence and biophysical properties (such as structural, functional, and spatial information, amino acid conservation, physicochemical variation, residue mobility, and thermodynamic stability) performed at Invitae indicates that this missense variant is not expected to disrupt SH3TC2 protein function. In summary, the available evidence is currently insufficient to determine the role of this variant in disease. Therefore, it has been classified as a Variant of Uncertain Significance.

GeneDx
Classification: Uncertain significance. Last evaluated: 2015-05-14. Review status: criteria provided, single submitter. Criteria: GeneDx Variant Classification (06012015). Collection method: clinical testing. Allele origin: germline. Affected: yes.
Comment: The G836R variant has not been published as a pathogenic variant, nor has it been reported as a benign polymorphism to our knowledge. It was not observed in approximately 6,500 individuals of European and African American ancestry in the NHLBI Exome Sequencing Project, indicating it is not a common benign variant in these populations. The G836R variant is a non-conservative amino acid substitution, which is likely to impact secondary protein structure as these residues differ in polarity, charge, size and/or other properties. This substitution occurs at a position that is conserved across species, and in silico analysis predicts this variant is probably damaging to the protein structure/function. However, missense variants in nearby residues have not been reported in the Human Gene Mutation Database in association with neuropathy (Stenson et al., 2014). Therefore, based on the currently available information, it is unclear whether this variant is a pathogenic or a rare benign variant.